The following is an entry in ClinVar:

ClinVar aggregate classification (germline): Uncertain significance (1 of 4 stars; one submission).

gnomAD v4.1: 1 of 1,612,830 alleles (0.000062%); highest among the groups gnomAD compares: South Asian, 0.0011%; no homozygotes.

Submission:

GeneDx
Classification: Uncertain significance. Last evaluated: 2024-05-16. Review status: criteria provided, single submitter. Criteria: GeneDx Variant Classification Process June 2021. Collection method: clinical testing. Allele origin: germline. Affected: yes.
Comment: Not observed at significant frequency in large population cohorts (gnomAD); In silico analysis supports that this missense variant has a deleterious effect on protein structure/function; Has not been previously published as pathogenic or benign to our knowledge

NM_032229.3(SLITRK6):c.1148T>A (p.Leu383Gln)

Gene: SLITRK6 (SLIT and NTRK like family member 6; minus strand). Cytogenetic location: 13q31.1.
Variant type: single nucleotide variant.
Coding change: c.1148T>A on transcript NM_032229.3 (MANE Select); coding-DNA position 1148, T replaced by A.
Protein change: p.Leu383Gln; replaces leucine 383 with glutamine.
Molecular consequence: missense variant.
Genome position (GRCh38, 1-based): chr13:85,795,361, A>T on the plus strand (T>A on the coding strand, the complement: SLITRK6 is on the minus strand). VCF-style: chr13-85795361-A-T. GRCh37 (hg19) VCF-style: chr13-86369496-A-T.
Other names: short protein forms L383Q.
Identifiers: ClinVar variation 3378166 (VCV003378166.1).